The following is an entry in ClinVar:

NM_000059.4(BRCA2):c.9511A>T (p.Ile3171Leu)

Gene: BRCA2 (BRCA2 DNA repair associated; plus strand). Cytogenetic location: 13q13.1.
Variant type: single nucleotide variant.
Coding change: c.9511A>T on transcript NM_000059.4 (MANE Select); coding-DNA position 9511, A replaced by T.
Protein change: p.Ile3171Leu; replaces isoleucine 3171 with leucine.
Molecular consequence: missense variant.
Genome position (GRCh38, 1-based): chr13:32,396,907, A>T. VCF-style: chr13-32396907-A-T. GRCh37 (hg19) VCF-style: chr13-32971044-A-T.
Other names: short protein forms I3171L.
Identifiers: ClinVar variation 186126 (VCV000186126.16), dbSNP rs786202713, ClinGen allele CA026194.

ClinVar aggregate classification (germline): Uncertain significance. Review status: criteria provided, multiple submitters, no conflicts (2 of 4 stars). 3 submissions from 3 submitters: Uncertain significance (3). Last evaluated 2025-05-06.

Conditions:
Hereditary cancer-predisposing syndrome. Also called: Hereditary neoplastic syndrome; Neoplastic Syndromes, Hereditary; Tumor predisposition; Hereditary Cancer Syndrome. Identifiers: Orphanet 140162, MedGen C0027672, MeSH D009386, MONDO:0015356.
Hereditary breast ovarian cancer syndrome. Also called: Hereditary breast and ovarian cancer syndrome (HBOC); Breast and ovarian cancer; Hereditary breast and/or ovarian cancer syndrome; BRCA1- and BRCA2-Associated Hereditary Breast and Ovarian Cancer; Hereditary breast and ovarian cancer syndrome; Hereditary breast and ovarian cancer. Identifiers: Orphanet 145, MedGen C0677776, MeSH D061325, MONDO:0003582. Disease mechanism: loss of function.

Submissions (3):

GeneDx
Classification: Uncertain significance. Last evaluated: 2025-05-06. Review status: criteria provided, single submitter. Criteria: GeneDx Variant Classification Process June 2021. Collection method: clinical testing. Allele origin: germline. Affected: yes.
Comment: Not observed at significant frequency in large population cohorts (gnomAD); In silico analysis suggests that this missense variant does not alter protein structure/function; Also known as 9739A>T; This variant is associated with the following publications: (PMID: 29884841, 32377563, 39779857, 39779848, 12228710)

Labcorp Genetics (formerly Invitae), Labcorp
Classification: Uncertain significance for Hereditary breast ovarian cancer syndrome. Last evaluated: 2024-01-18. Review status: criteria provided, single submitter. Criteria: Invitae Variant Classification Sherloc (09022015). Collection method: clinical testing. Allele origin: germline.
Comment: This sequence change replaces isoleucine, which is neutral and non-polar, with leucine, which is neutral and non-polar, at codon 3171 of the BRCA2 protein (p.Ile3171Leu). This variant is not present in population databases (gnomAD no frequency). This variant has not been reported in the literature in individuals affected with BRCA2-related conditions. ClinVar contains an entry for this variant (Variation ID: 186126). Advanced modeling of protein sequence and biophysical properties (such as structural, functional, and spatial information, amino acid conservation, physicochemical variation, residue mobility, and thermodynamic stability) performed at Invitae indicates that this missense variant is not expected to disrupt BRCA2 protein function with a negative predictive value of 95%. In summary, the available evidence is currently insufficient to determine the role of this variant in disease. Therefore, it has been classified as a Variant of Uncertain Significance.

Ambry Genetics
Classification: Uncertain significance for Hereditary cancer-predisposing syndrome. Last evaluated: 2014-09-15. Review status: criteria provided, single submitter. Criteria: Ambry Variant Classification Scheme 2023. Collection method: clinical testing. Allele origin: germline.
Comment: The p.I3171L variant (also known as c.9511A>T and 9739A>T), located in coding exon 25 of the BRCA2 gene, results from an A to T substitution at nucleotide position 9511. The isoleucine at codon 3171 is replaced by leucine, an amino acid with highly similar properties. This variant was not reported in population based cohorts in the following databases: Database of Single Nucleotide Polymorphisms (dbSNP), NHLBI Exome Sequencing Project (ESP), and 1000 Genomes Project. In the ESP, this variant was not observed in 6503 samples (13006 alleles) with coverage of 6503 at this position. To date, this alteration has been detected with an allele frequency of approximately 0.002% (greater than 64,000 alleles tested) in our clinical cohort. This amino acid position is poorly conserved in available vertebrate species. In addition, this alteration is predicted to be benign and tolerated by PolyPhen and SIFT in silico analyses, respectively. Since supporting evidence is limited at this time, the clinical significance of p.I3171L remains unclear.